The following is an entry in ClinVar:

NM_138409.4(MRAP2):c.174T>G (p.Ile58Met)

Gene: MRAP2 (melanocortin 2 receptor accessory protein 2; plus strand). Cytogenetic location: 6q14.2.
Variant type: single nucleotide variant.
Coding change: c.174T>G on transcript NM_138409.4 (MANE Select); coding-DNA position 174, T replaced by G.
Protein change: p.Ile58Met; replaces isoleucine 58 with methionine.
Molecular consequence: missense variant. On other transcripts: 5 prime UTR variant (1), intron variant (1).
Genome position (GRCh38, 1-based): chr6:84,062,939, T>G. VCF-style: chr6-84062939-T-G. GRCh37 (hg19) VCF-style: chr6-84772658-T-G.
Other names: c.174T>G, p.Ile58Met (NM_001346542.2, NM_001346544.2); c.-86T>G (NM_001346543.2); c.-32+7494T>G (NM_001346541.2); short protein forms I58M.
Identifiers: ClinVar variation 3345164 (VCV003345164.1).

ClinVar aggregate classification (germline): Uncertain significance (0 of 4 stars; one submission).

Conditions:
MRAP2-related disorder. Also called: MRAP2-related condition.

gnomAD v4.1: 1 of 1,614,194 alleles (0.000062%); highest among the groups gnomAD compares: Non-Finnish European, 0.000085%; no homozygotes.

Submission:

PreventionGenetics, part of Exact Sciences
Classification: Uncertain significance for MRAP2-related condition. Last evaluated: 2024-08-01. Review status: no assertion criteria provided. Collection method: clinical testing. Allele origin: germline.
Comment: The MRAP2 c.174T>G variant is predicted to result in the amino acid substitution p.Ile58Met. To our knowledge, this variant has not been reported in the literature or in a large population database, indicating this variant is rare. At this time, the clinical significance of this variant is uncertain due to the absence of conclusive functional and genetic evidence.